The following is an entry in ClinVar:

ClinVar aggregate classification (germline): Uncertain significance. Review status: criteria provided, multiple submitters, no conflicts (2 of 4 stars). 2 submissions from 2 submitters: Uncertain significance (2). Last evaluated 2024-02-24.

Conditions:
Autosomal recessive ataxia, Beauce type. Also called: SYNE1-Related Autosomal Recessive Cerebellar Ataxia; Spinocerebellar ataxia, autosomal recessive 8; ATAXIA, RECESSIVE, OF BEAUCE; SYNE1 Deficiency. Identifiers: Orphanet 88644, MedGen C1853116, MONDO:0012549, OMIM 610743.
Emery-Dreifuss muscular dystrophy 4, autosomal dominant (EDMD4). Also called: EMERY-DREIFUSS MUSCULAR DYSTROPHY 4 WITH VARIABLE FEATURES. Identifiers: Orphanet 261, MedGen C2751807, MONDO:0013071, OMIM 612998.
Arthrogryposis multiplex congenita 3, myogenic type. Also called: ARTHROGRYPOSIS MULTIPLEX CONGENITA, MYOGENIC TYPE. Identifiers: MedGen C5193121, MONDO:0032778, OMIM 618484.

gnomAD v4.1: 1 of 1,614,134 alleles (0.000062%); highest among the groups gnomAD compares: East Asian, 0.0022%; no homozygotes.

Submissions (2):

Labcorp Genetics (formerly Invitae), Labcorp
Classification: Uncertain significance for Emery-Dreifuss muscular dystrophy 4, autosomal dominant; Autosomal recessive ataxia, Beauce type. Last evaluated: 2024-02-24. Review status: criteria provided, single submitter. Criteria: Invitae Variant Classification Sherloc (09022015). Collection method: clinical testing. Allele origin: germline.
Comment: This sequence change replaces tyrosine, which is neutral and polar, with phenylalanine, which is neutral and non-polar, at codon 7670 of the SYNE1 protein (p.Tyr7670Phe). This variant is not present in population databases (gnomAD no frequency). This variant has not been reported in the literature in individuals affected with SYNE1-related conditions. ClinVar contains an entry for this variant (Variation ID: 2157542). An algorithm developed to predict the effect of missense changes on protein structure and function (PolyPhen-2) suggests that this variant is likely to be tolerated. In summary, the available evidence is currently insufficient to determine the role of this variant in disease. Therefore, it has been classified as a Variant of Uncertain Significance.

Department of Pathology and Laboratory Medicine, Sinai Health System
Classification: Uncertain significance for Autosomal recessive ataxia, Beauce type; Emery-Dreifuss muscular dystrophy 4, autosomal dominant; Arthrogryposis multiplex congenita 3, myogenic type. Last evaluated: 2022-06-23. Review status: criteria provided, single submitter. Criteria: ACMG Guidelines, 2015. Collection method: research. Allele origin: germline.

NM_182961.4(SYNE1):c.23222A>T (p.Tyr7741Phe)

Gene: SYNE1 (spectrin repeat containing nuclear envelope protein 1; minus strand). Cytogenetic location: 6q25.2.
Variant type: single nucleotide variant.
Coding change: c.23222A>T on transcript NM_182961.4 (MANE Select); coding-DNA position 23222, A replaced by T.
Protein change: p.Tyr7741Phe; replaces tyrosine 7741 with phenylalanine.
Molecular consequence: missense variant.
Genome position (GRCh38, 1-based): chr6:152,189,331, T>A on the plus strand (A>T on the coding strand, the complement: SYNE1 is on the minus strand). VCF-style: chr6-152189331-T-A. GRCh37 (hg19) VCF-style: chr6-152510466-T-A.
Other names: c.23009A>T, p.Tyr7670Phe (NM_033071.5); short protein forms Y7741F, Y7670F.
Identifiers: ClinVar variation 2157542 (VCV002157542.5), dbSNP rs34974663, ClinGen allele CA366094233.